The following is an entry in ClinVar:

ClinVar aggregate classification (germline): Pathogenic. Review status: criteria provided, multiple submitters, no conflicts (2 of 4 stars). 7 submissions from 7 submitters: Pathogenic (6). 1 of the submissions does not count toward it. Last evaluated 2026-01-11.

Conditions:
LPL-related disorder. Also called: LPL-related condition.
Cardiovascular phenotype. Identifiers: MedGen CN230736.
Hyperlipidemia, familial combined, LPL related (FCHL3). Also called: Hyperapobetalipoproteinemia. Identifiers: MedGen C0020474, MONDO:0007759, OMIM 144250, HP:0008158.
Hyperlipoproteinemia, type I. Also called: Hyperlipoproteinemia type 1; Hyperchylomicro-nemia familial; Familial chylomicronemia; Hyperlipemia idiopathic Burger-Grutz type; Familial hyperlipo-proteinemia type 1; Hyperlipemia essential familial. Identifiers: Orphanet 309015, Orphanet 444490, MedGen C0023817, MONDO:0009387, OMIM 238600. Disease mechanism: loss of function.

Allele frequency attached by ClinVar (database versions not stated): gnomAD exomes below 0.00001; TOPMed 0.00002; gnomAD 0.00003 and 0.00004.
gnomAD v4.1: 7 of 1,614,052 alleles (0.00043%); highest among the groups gnomAD compares: African/African-American, 0.004%; no homozygotes.

Submissions (7):

Labcorp Genetics (formerly Invitae), Labcorp
Classification: Pathogenic. Last evaluated: 2026-01-11. Review status: criteria provided, single submitter. Criteria: Invitae Variant Classification Sherloc (09022015). Collection method: clinical testing. Allele origin: germline.
Comment: This sequence change creates a premature translational stop signal (p.Trp91*) in the LPL gene. It is expected to result in an absent or disrupted protein product. Loss-of-function variants in LPL are known to be pathogenic (PMID: 11334614). This variant is present in population databases (rs118204070, gnomAD 0.0008%). This premature translational stop signal has been observed in individual(s) with familial lipoprotein lipase (LPL) deficiency (PMID: 1512512, 22095987, 27055971). This variant is also known as Trp64Stop. ClinVar contains an entry for this variant (Variation ID: 1541). Algorithms developed to predict the effect of sequence changes on RNA splicing suggest that this variant may disrupt the consensus splice site. For these reasons, this variant has been classified as Pathogenic.

Ambry Genetics
Classification: Pathogenic for Cardiovascular phenotype. Last evaluated: 2025-04-14. Review status: criteria provided, single submitter. Criteria: Ambry Variant Classification Scheme 2023. Collection method: clinical testing. Allele origin: germline.
Comment: The c.272G>A (p.W91*) alteration, located in exon 3 (coding exon 3) of the LPL gene, consists of a G to A substitution at nucleotide position 272. This changes the amino acid from a tryptophan (W) to a stop codon at amino acid position 91. This alteration is expected to result in loss of function by premature protein truncation or nonsense-mediated mRNA decay. Based on data from gnomAD, the A allele has an overall frequency of 0.001% (2/282876) total alleles studied. The highest observed frequency was 0.002% (2/129180) of European (non-Finnish) alleles. This variant has been identified in conjunction with other LPL variant(s) in individual(s) with features consistent with LPL-related chylomicronemia syndrome; in at least one instance, the variants were identified in trans (Sprecher, 1992). Based on the available evidence, this alteration is classified as pathogenic.

PreventionGenetics, part of Exact Sciences
Classification: Pathogenic for LPL-related condition. Last evaluated: 2025-03-14. Review status: criteria provided, single submitter. Criteria: ACMG Guidelines, 2015. Collection method: clinical testing. Allele origin: germline.
Comment: The LPL c.272G>A variant is predicted to result in premature protein termination (p.Trp91*). This variant, also referred to as p.Trp64Stop, has been reported in patients with lipoprotein lipase deficiency (see for example: Ooi et al 2011. PubMed ID: 22095987; Rodrigues et al. 2015. PubMed ID: 27055971; Supplementary table 4, Dron et al. 2020. PubMed ID: 32041611). This variant is reported in 0.0015% of alleles in individuals of European (Non-Finnish) descent in gnomAD. Nonsense variants in LPL are expected to be pathogenic. This variant is interpreted as pathogenic.

Natera, Inc.
Classification: Pathogenic for Lipoprotein lipase deficiency. Last evaluated: 2024-10-22. Review status: criteria provided, single submitter. Criteria: Natera Variant Classification Schema (03/2026). Collection method: clinical testing. Allele origin: germline.
Comment: The c.272G>A variant in LPL is a nonsense variant predicted to introduce a stop codon at amino acid 91. This variant is expected to result in nonsense mediated decay, truncation, or a dysfunctional protein product. This variant is rare in the general population with a frequency below the threshold expected for the associated phenotype(s). This variant has been observed in one or more individuals affected with the associated recessive disease, as either homozygous or compound heterozygous with a second variant (PMID: 22095987). Given the available evidence, this variant is classified as Pathogenic.

Genetics and Molecular Pathology, SA Pathology
Classification: Pathogenic for Hyperlipidemia, familial combined, LPL related. Last evaluated: 2022-06-16. Review status: criteria provided, single submitter. Criteria: ACMG Guidelines, 2015. Collection method: clinical testing. Allele origin: germline. Affected: yes.

Dasa
Classification: Pathogenic for Hyperlipidemia, familial combined, LPL related. Last evaluated: 2022-01-05. Review status: criteria provided, single submitter. Criteria: ACMG Guidelines, 2015. Collection method: clinical testing. Allele origin: germline. Affected: yes. Observed: 1 variant allele.
Comment: The c.272G>A;p.(Trp91*) variant creates a premature translational stop signal in the LPL gene. It is expected to result in an absent or disrupted protein product -PVS1. This sequence change has been observed in affected individual(s) and ClinVar contains an entry for this variant (Clinvar ID: 1541; PMID: 22095987; 27055971; 11334614; 1512512) - PS4. Well-established in vitro or in vivo functional studies support a damaging effect on the gene or gene product (PMID: 1512512) - PS3_supporting. The variant is present at low allele frequencies population databases (rs118204070 – gnomAD 0.002629%; ABraOM no frequency) - PM2_supporting. The variant co-segregated with disease in multiple affected family members (PMID: 1512512) - PP1. In summary, the currently available evidence indicates that the variant is pathogenic.

OMIM
Classification: Pathogenic for LIPOPROTEIN LIPASE DEFICIENCY. Last evaluated: 1992-06-01. Review status: no assertion criteria provided. Collection method: literature only. Allele origin: germline. Not counted in ClinVar's aggregate classification.

Literature cited by the submitters: PubMed 11334614 (cited by Labcorp Genetics (formerly Invitae), Labcorp and Dasa); PubMed 1512512 (cited by 4 submitters); PubMed 22095987 (cited by 3 submitters); PubMed 27055971 (cited by Labcorp Genetics (formerly Invitae), Labcorp and Dasa).

NM_000237.3(LPL):c.272G>A (p.Trp91Ter)

Gene: LPL (lipoprotein lipase; plus strand). Cytogenetic location: 8p21.3.
Variant type: single nucleotide variant.
Coding change: c.272G>A on transcript NM_000237.3 (MANE Select); coding-DNA position 272, G replaced by A.
Protein change: p.Trp91Ter; replaces tryptophan 91 with a stop codon.
Molecular consequence: nonsense.
Genome position (GRCh38, 1-based): chr8:19,951,791, G>A. VCF-style: chr8-19951791-G-A. GRCh37 (hg19) VCF-style: chr8-19809302-G-A.
Other names: W64*; c.272G>A (NM_000237.2); short protein forms W91*.
Identifiers: ClinVar variation 1541 (VCV000001541.15), dbSNP rs118204070, ClinGen allele CA251879.
Genomic context (GRCh38, chr8:19,951,791, plus strand): 5'-GGTGGGTATTTTAAGAAAGCTTGTGTCATCATCTTCAGGTAACAGGAATGTATGAGAGTT[G>A]GGTGCCAAAACTTGTGGCCGCCCTGTACAAGAGAGAACCAGACTCCAATGTCATTGTGGT-3'